The following is an entry in ClinVar:

NM_004260.4(RECQL4):c.3529T>A (p.Tyr1177Asn)

Gene: RECQL4 (RecQ like helicase 4; minus strand). Cytogenetic location: 8q24.3.
Variant type: single nucleotide variant.
Coding change: c.3529T>A on transcript NM_004260.4 (MANE Select); coding-DNA position 3529, T replaced by A.
Protein change: p.Tyr1177Asn; replaces tyrosine 1177 with asparagine.
Molecular consequence: missense variant.
Genome position (GRCh38, 1-based): chr8:144,511,529, A>T on the plus strand (T>A on the coding strand, the complement: RECQL4 is on the minus strand). VCF-style: chr8-144511529-A-T. GRCh37 (hg19) VCF-style: chr8-145736912-A-T.
Other names: short protein forms Y1177N.
Identifiers: ClinVar variation 848180 (VCV000848180.4), dbSNP rs758188100, ClinGen allele CA4947660.

ClinVar aggregate classification (germline): Uncertain significance (1 of 4 stars; one submission).

Conditions:
Baller-Gerold syndrome (BGS). Also called: CRANIOSYNOSTOSIS WITH RADIAL DEFECTS. Identifiers: Orphanet 1225, MedGen C0265308, MONDO:0009039, OMIM 218600.

Allele frequency attached by ClinVar (database versions not stated): TOPMed below 0.00001; ExAC 0.00001; gnomAD exomes 0.00001 and 0.00002.

Submission:

Labcorp Genetics (formerly Invitae), Labcorp
Classification: Uncertain significance for Baller-Gerold syndrome. Last evaluated: 2022-08-22. Review status: criteria provided, single submitter. Criteria: Invitae Variant Classification Sherloc (09022015). Collection method: clinical testing. Allele origin: germline.
Comment: This sequence change replaces tyrosine, which is neutral and polar, with asparagine, which is neutral and polar, at codon 1177 of the RECQL4 protein (p.Tyr1177Asn). This variant is present in population databases (rs758188100, gnomAD 0.003%). This variant has not been reported in the literature in individuals affected with RECQL4-related conditions. ClinVar contains an entry for this variant (Variation ID: 848180). In summary, the available evidence is currently insufficient to determine the role of this variant in disease. Therefore, it has been classified as a Variant of Uncertain Significance.